The following is an entry in ClinVar:

NM_001001433.3(STX16):c.*1997A>G

Genes: STX16 (syntaxin 16; plus strand), STX16-NPEPL1 (STX16-NPEPL1 readthrough (NMD candidate); plus strand). Cytogenetic location: 20q13.32.
Variant type: single nucleotide variant.
Coding change: c.*1997A>G on transcript NM_001001433.3 (MANE Select); 1997 bases downstream of the stop codon, A replaced by G.
Molecular consequence: 3 prime UTR variant. On other transcripts: non-coding transcript variant (3).
Genome position (GRCh38, 1-based): chr20:58,678,288, A>G. VCF-style: chr20-58678288-A-G. GRCh37 (hg19) VCF-style: chr20-57253344-A-G.
Other names: c.*1997A>G (NM_001134772.3, NM_001134773.3, NM_001204868.2 and 1 more transcripts).
Identifiers: ClinVar variation 898602 (VCV000898602.4), dbSNP rs78816069, ClinGen allele CA316313959.

ClinVar aggregate classification (germline): Benign (1 of 4 stars; one submission).

Conditions:
Pseudohypoparathyroidism type 1B (PHP1B). Also called: Pseudohypoparathyroidism Ib (PHP-Ib); Pseudohypoparathyroidism Type IB; PHP IB. Identifiers: Orphanet 94089, MedGen C1864100, MONDO:0011301, OMIM 603233.

Allele frequency attached by ClinVar (database versions not stated): gnomAD 0.01884 and 0.02027; 1000 Genomes Project 30x 0.01983; TOPMed 0.01986; 1000 Genomes Project 0.02536.

Submission:

Illumina Laboratory Services, Illumina
Classification: Benign for Pseudohypoparathyroidism type 1B. Last evaluated: 2018-01-12. Review status: criteria provided, single submitter. Criteria: ICSL Variant Classification Criteria 13 December 2019. Collection method: clinical testing. Allele origin: germline.
Comment: This variant was observed in the ICSL laboratory as part of a predisposition screen in an ostensibly healthy population. It had not been previously curated by ICSL or reported in the Human Gene Mutation Database (HGMD: prior to June 1st, 2018), and was therefore a candidate for classification through an automated scoring system. Utilizing variant allele frequency, disease prevalence and penetrance estimates, and inheritance mode, an automated score was calculated to assess if this variant is too frequent to cause the disease. Based on the score and internal cut-off values, a variant classified as benign is not then subjected to further curation. The score for this variant resulted in a classification of benign for this disease.